The following is an entry in ClinVar:

ClinVar aggregate classification (germline): Uncertain significance. Review status: criteria provided, multiple submitters, no conflicts (2 of 4 stars). 2 submissions from 2 submitters: Uncertain significance (2). Last evaluated 2023-09-25.

Conditions:
Nephronophthisis. Also called: Juvenile Nephronophthisis. Identifiers: Orphanet 655, MedGen C0687120, MONDO:0019005, HP:0000090.

Allele frequency attached by ClinVar (database versions not stated): gnomAD exomes below 0.00001.
gnomAD v4.1: 6 of 1,613,978 alleles (0.00037%); highest among the groups gnomAD compares: South Asian, 0.0011%; no homozygotes.

Submissions (2):

Labcorp Genetics (formerly Invitae), Labcorp
Classification: Uncertain significance for Nephronophthisis. Last evaluated: 2023-09-25. Review status: criteria provided, single submitter. Criteria: Invitae Variant Classification Sherloc (09022015). Collection method: clinical testing. Allele origin: germline.
Comment: Advanced modeling of protein sequence and biophysical properties (such as structural, functional, and spatial information, amino acid conservation, physicochemical variation, residue mobility, and thermodynamic stability) performed at Invitae indicates that this missense variant is not expected to disrupt NPHP4 protein function. In summary, the available evidence is currently insufficient to determine the role of this variant in disease. Therefore, it has been classified as a Variant of Uncertain Significance. This sequence change replaces glutamic acid, which is acidic and polar, with lysine, which is basic and polar, at codon 1085 of the NPHP4 protein (p.Glu1085Lys). This variant is present in population databases (no rsID available, gnomAD 0.0009%). This variant has not been reported in the literature in individuals affected with NPHP4-related conditions. ClinVar contains an entry for this variant (Variation ID: 860069).

Blueprint Genetics
Classification: Uncertain significance. Last evaluated: 2021-09-17. Review status: criteria provided, single submitter. Criteria: ACMG Guidelines, 2015. Collection method: clinical testing. Allele origin: germline.

NM_015102.5(NPHP4):c.3253G>A (p.Glu1085Lys)

Gene: NPHP4 (nephrocystin 4; minus strand). Cytogenetic location: 1p36.31.
Variant type: single nucleotide variant.
Coding change: c.3253G>A on transcript NM_015102.5 (MANE Select); coding-DNA position 3253, G replaced by A.
Protein change: p.Glu1085Lys; replaces glutamic acid 1085 with lysine.
Molecular consequence: missense variant. On other transcripts: non-coding transcript variant (1).
Genome position (GRCh38, 1-based): chr1:5,873,314, C>T on the plus strand (G>A on the coding strand, the complement: NPHP4 is on the minus strand). VCF-style: chr1-5873314-C-T. GRCh37 (hg19) VCF-style: chr1-5933374-C-T.
Other names: c.1714G>A, p.Glu572Lys (NM_001291593.2); c.1717G>A, p.Glu573Lys (NM_001291594.2); short protein forms E1085K, E572K, E573K.
Identifiers: ClinVar variation 860069 (VCV000860069.9), dbSNP rs1479758700, ClinGen allele CA338054667.